The following is an entry in ClinVar:

ClinVar aggregate classification (germline): Conflicting classifications of pathogenicity. Review status: criteria provided, conflicting classifications (1 of 4 stars). 2 submissions from 2 submitters: Uncertain significance (1); Likely benign (1). Last evaluated 2025-04-30.

Conditions:
Hereditary cancer-predisposing syndrome. Also called: Hereditary neoplastic syndrome; Tumor predisposition; Neoplastic Syndromes, Hereditary; Hereditary Cancer Syndrome. Identifiers: Orphanet 140162, MedGen C0027672, MeSH D009386, MONDO:0015356.
Cardiovascular phenotype. Identifiers: MedGen CN230736.
Neurofibromatosis, type 1 (NF1). Also called: Peripheral type neurofibromatosis; VON RECKLINGHAUSEN DISEASE; NEUROFIBROMATOSIS, TYPE I, SOMATIC; Neurofibromatosis, type I. Identifiers: Orphanet 636, MedGen C0027831, MONDO:0018975, OMIM 162200. Disease mechanism: loss of function.

Submissions (2):

Labcorp Genetics (formerly Invitae), Labcorp
Classification: Uncertain significance for Neurofibromatosis, type 1. Last evaluated: 2025-04-30. Review status: criteria provided, single submitter. Criteria: Invitae Variant Classification Sherloc (09022015). Collection method: clinical testing. Allele origin: germline.
Comment: This sequence change replaces leucine, which is neutral and non-polar, with valine, which is neutral and non-polar, at codon 1085 of the NF1 protein (p.Leu1085Val). This variant is not present in population databases (gnomAD no frequency). This variant has not been reported in the literature in individuals affected with NF1-related conditions. ClinVar contains an entry for this variant (Variation ID: 959889). Invitae Evidence Modeling of protein sequence and biophysical properties (such as structural, functional, and spatial information, amino acid conservation, physicochemical variation, residue mobility, and thermodynamic stability) indicates that this missense variant is expected to disrupt NF1 protein function with a positive predictive value of 95%. In summary, the available evidence is currently insufficient to determine the role of this variant in disease. Therefore, it has been classified as a Variant of Uncertain Significance.

Ambry Genetics
Classification: Likely benign for Cardiovascular phenotype; Hereditary cancer-predisposing syndrome. Last evaluated: 2024-07-31. Review status: criteria provided, single submitter. Criteria: Ambry Variant Classification Scheme 2023. Collection method: clinical testing. Allele origin: germline.

Literature cited by the submitters: PubMed 31533651 (cited by Ambry Genetics).

NM_001042492.3(NF1):c.3253C>G (p.Leu1085Val)

Gene: NF1 (neurofibromin 1; plus strand). Cytogenetic location: 17q11.2.
Variant type: single nucleotide variant.
Coding change: c.3253C>G on transcript NM_001042492.3 (MANE Select); coding-DNA position 3253, C replaced by G.
Protein change: p.Leu1085Val; replaces leucine 1085 with valine.
Molecular consequence: missense variant.
Genome position (GRCh38, 1-based): chr17:31,232,128, C>G. VCF-style: chr17-31232128-C-G. GRCh37 (hg19) VCF-style: chr17-29559146-C-G.
Other names: c.3253C>G, p.Leu1085Val (NM_000267.4); short protein forms L1085V.
Identifiers: ClinVar variation 959889 (VCV000959889.10), dbSNP rs145323424, ClinGen allele CA398988803.